The following is an entry in ClinVar:

ClinVar aggregate classification (germline): Uncertain significance (1 of 4 stars; one submission).

Conditions:
Neuronal ceroid lipofuscinosis. Also called: Neuronal Ceroid Lipofuscinoses. Identifiers: Orphanet 216, Orphanet 79263, MedGen C0027877, MONDO:0016295. Disease mechanism: loss of function.

gnomAD v4.1: 1 of 1,603,292 alleles (0.000062%); highest among the groups gnomAD compares: Non-Finnish European, 0.000085%; no homozygotes.

Submission:

Labcorp Genetics (formerly Invitae), Labcorp
Classification: Uncertain significance for Neuronal ceroid lipofuscinosis. Last evaluated: 2024-02-24. Review status: criteria provided, single submitter. Criteria: Invitae Variant Classification Sherloc (09022015). Collection method: clinical testing. Allele origin: germline.
Comment: This sequence change falls in intron 2 of the CLN6 gene. It does not directly change the encoded amino acid sequence of the CLN6 protein. It affects a nucleotide within the consensus splice site. This variant is not present in population databases (gnomAD no frequency). This variant has been observed in individual(s) with clinical features of neuronal ceroid lipofuscinosis (Invitae). It has also been observed to segregate with disease in related individuals. ClinVar contains an entry for this variant (Variation ID: 2125488). Variants that disrupt the consensus splice site are a relatively common cause of aberrant splicing (PMID: 17576681, 9536098). Algorithms developed to predict the effect of sequence changes on RNA splicing suggest that this variant may disrupt the consensus splice site. In summary, the available evidence is currently insufficient to determine the role of this variant in disease. Therefore, it has been classified as a Variant of Uncertain Significance.

Literature cited by the submitters: PubMed 17576681; PubMed 9536098.

NM_017882.3(CLN6):c.198+3G>C

Gene: CLN6 (CLN6 transmembrane ER protein; minus strand). Cytogenetic location: 15q23.
Variant type: single nucleotide variant.
Coding change: c.198+3G>C on transcript NM_017882.3 (MANE Select); 3 bases into the intron after coding-DNA position 198, G replaced by C.
Molecular consequence: intron variant.
Genome position (GRCh38, 1-based): chr15:68,218,533, C>G on the plus strand (G>C on the coding strand, the complement: CLN6 is on the minus strand). VCF-style: chr15-68218533-C-G. GRCh37 (hg19) VCF-style: chr15-68510871-C-G.
Identifiers: ClinVar variation 2125488 (VCV002125488.4), dbSNP rs2505421646, ClinGen allele CA2580089915.
Genomic context (GRCh38, chr15:68,218,533, plus strand): 5'-AATTCAAGCCACACTAAGTGTCCTCAGTGCTGGTCAGAGCCCTGTGCACCATTTCACACT[C>G]ACCATGGCAATGGGACGCCCAAAGTCCAGAACCCAGTTCTGCAGTGTGAAGTAGAACCAG-3'